The following is an entry in ClinVar:

ClinVar aggregate classification (germline): Uncertain significance (0 of 4 stars; one submission).

Conditions:
USP48-related condition.

gnomAD v4.1: 3 of 1,613,428 alleles (0.00019%); highest among the groups gnomAD compares: African/African-American, 0.004%; no homozygotes.

Submission:

PreventionGenetics, part of Exact Sciences
Classification: Uncertain significance for USP48-related condition. Last evaluated: 2024-08-15. Review status: no assertion criteria provided. Collection method: clinical testing. Allele origin: germline.
Comment: The USP48 c.611A>G variant is predicted to result in the amino acid substitution p.Asp204Gly. To our knowledge, this variant has not been reported in the literature or in a large population database, indicating this variant is rare. At this time, the clinical significance of this variant is uncertain due to the absence of conclusive functional and genetic evidence.

NM_032236.8(USP48):c.611A>G (p.Asp204Gly)

Gene: USP48 (ubiquitin specific peptidase 48; minus strand). Cytogenetic location: 1p36.12.
Variant type: single nucleotide variant.
Coding change: c.611A>G on transcript NM_032236.8 (MANE Select); coding-DNA position 611, A replaced by G.
Protein change: p.Asp204Gly; replaces aspartic acid 204 with glycine.
Molecular consequence: missense variant.
Genome position (GRCh38, 1-based): chr1:21,752,581, T>C on the plus strand (A>G on the coding strand, the complement: USP48 is on the minus strand). VCF-style: chr1-21752581-T-C. GRCh37 (hg19) VCF-style: chr1-22079074-T-C.
Other names: c.611A>G, p.Asp204Gly (NM_001032730.3, NM_001330394.3, NM_001350164.2 and 3 more transcripts); short protein forms D204G.
Identifiers: ClinVar variation 3354265 (VCV003354265.1).